The following is an entry in ClinVar:

NM_000465.4(BARD1):c.434dup (p.Met145fs)

Gene: BARD1 (BRCA1 associated RING domain 1; minus strand). Cytogenetic location: 2q35.
Variant type: Duplication.
Coding change: c.434dup on transcript NM_000465.4 (MANE Select); coding-DNA position 434, one base duplicated (T; older notation c.434dupT).
Protein change: p.Met145fs; shifts the reading frame from methionine 145.
Molecular consequence: frameshift variant. On other transcripts: non-coding transcript variant (2), intron variant (3).
Genome position (GRCh38, 1-based): chr2:214,781,440, A duplicated on the plus strand (T on the coding strand, the reverse complement: BARD1 is on the minus strand). VCF-style (leftmost placement, unchanged base first): chr2-214781439-C-CA. GRCh37 (hg19) VCF-style: chr2-215646163-C-CA.
Other names: c.377dup, p.Met126fs (NM_001282543.2); c.158+27972dup (NM_001282548.2); c.215+15621dup (NM_001282545.2); c.364+10857dup (NM_001282549.2); short protein forms M126fs, M145fs.
Identifiers: ClinVar variation 2583313 (VCV002583313.2), dbSNP rs2469513640, ClinGen allele CA2582342115.

ClinVar aggregate classification (germline): Pathogenic (1 of 4 stars; one submission).

Conditions:
Familial cancer of breast. Also called: Hereditary breast cancer; BREAST CANCER, FAMILIAL; hereditary breast carcinoma. Identifiers: Orphanet 227535, MedGen C0346153, MONDO:0016419, OMIM 114480. Disease mechanism: loss of function.

Submission:

Myriad Genetics, Inc.
Classification: Pathogenic for Familial cancer of breast. Last evaluated: 2023-05-18. Review status: criteria provided, single submitter. Criteria: Myriad Autosomal Dominant, Autosomal Recessive and X-Linked Classification Criteria (2023). Collection method: clinical testing. Allele origin: unknown.
Comment: This variant is considered pathogenic. This variant creates a frameshift predicted to result in premature protein truncation.